The following is an entry in ClinVar:

NM_001352754.2(ARMC9):c.2119G>A (p.Val707Ile)

Gene: ARMC9 (armadillo repeat containing 9; plus strand). Cytogenetic location: 2q37.1.
Variant type: single nucleotide variant.
Coding change: c.2119G>A on transcript NM_001352754.2 (MANE Select); coding-DNA position 2119, G replaced by A.
Protein change: p.Val707Ile; replaces valine 707 with isoleucine.
Molecular consequence: missense variant.
Genome position (GRCh38, 1-based): chr2:231,355,922, G>A. VCF-style: chr2-231355922-G-A. GRCh37 (hg19) VCF-style: chr2-232220634-G-A.
Other names: c.2119G>A, p.Val707Ile (NM_001271466.4); short protein forms V707I.
Identifiers: ClinVar variation 958428 (VCV000958428.7), dbSNP rs892448059, ClinGen allele CA66860971.

ClinVar aggregate classification (germline): Uncertain significance (1 of 4 stars; one submission).

Allele frequency attached by ClinVar (database versions not stated): gnomAD exomes 0.00001 and 0.00002; TOPMed 0.00003; gnomAD 0.00005 and 0.00006.
gnomAD v4.1: 20 of 1,535,426 alleles (0.0013%); highest among the groups gnomAD compares: African/African-American, 0.0096%; no homozygotes.

Submission:

Labcorp Genetics (formerly Invitae), Labcorp
Classification: Uncertain significance. Last evaluated: 2024-06-19. Review status: criteria provided, single submitter. Criteria: Invitae Variant Classification Sherloc (09022015). Collection method: clinical testing. Allele origin: germline.
Comment: This sequence change replaces valine, which is neutral and non-polar, with isoleucine, which is neutral and non-polar, at codon 707 of the ARMC9 protein (p.Val707Ile). This variant is present in population databases (no rsID available, gnomAD 0.01%). This variant has not been reported in the literature in individuals affected with ARMC9-related conditions. ClinVar contains an entry for this variant (Variation ID: 958428). Experimental studies and prediction algorithms are not available or were not evaluated, and the functional significance of this variant is currently unknown. In summary, the available evidence is currently insufficient to determine the role of this variant in disease. Therefore, it has been classified as a Variant of Uncertain Significance.